The following is an entry in ClinVar:

ClinVar aggregate classification (germline): Conflicting classifications of pathogenicity. Review status: criteria provided, conflicting classifications (1 of 4 stars). 5 submissions from 5 submitters: Uncertain significance (3); Likely benign (2). Last evaluated 2025-01-22.

Conditions:
TMIE-related disorder. Also called: TMIE-related condition.
Autosomal recessive nonsyndromic hearing loss 6. Also called: NEUROSENSORY NONSYNDROMIC RECESSIVE DEAFNESS 6. Identifiers: Orphanet 90636, MedGen C1832992, MONDO:0010965, OMIM 600971.

Allele frequency attached by ClinVar (database versions not stated): 1000 Genomes Project 30x 0.00031; 1000 Genomes Project 0.00040; TOPMed 0.00052; gnomAD 0.00064 and 0.00066; ESP Exome Variant Server 0.00077; gnomAD exomes 0.00089 and 0.00101; ExAC 0.00108.
gnomAD v4.1: 1,549 of 1,613,850 alleles (0.096%); highest among the groups gnomAD compares: Middle Eastern, 0.15%; 1 homozygote.

Submissions (5):

PreventionGenetics, part of Exact Sciences
Classification: Likely benign for TMIE-related condition. Last evaluated: 2025-01-22. Review status: criteria provided, single submitter. Criteria: ACMG Guidelines, 2015. Collection method: clinical testing. Allele origin: germline.
Comment: This variant is classified as likely benign based on ACMG/AMP sequence variant interpretation guidelines (Richards et al. 2015 PMID: 25741868, with internal and published modifications).

Blueprint Genetics
Classification: Uncertain significance. Last evaluated: 2024-09-12. Review status: criteria provided, single submitter. Criteria: ACMG Guidelines, 2015. Collection method: clinical testing. Allele origin: germline.

GeneDx
Classification: Likely benign. Last evaluated: 2020-12-24. Review status: criteria provided, single submitter. Criteria: GeneDx Variant Classification Process June 2021. Collection method: clinical testing. Allele origin: germline. Affected: yes.

Illumina Laboratory Services, Illumina
Classification: Uncertain significance for Autosomal recessive nonsyndromic hearing loss 6. Last evaluated: 2018-01-13. Review status: criteria provided, single submitter. Criteria: ICSL Variant Classification Criteria 13 December 2019. Collection method: clinical testing. Allele origin: germline.

Eurofins Ntd Llc (ga)
Classification: Uncertain significance. Last evaluated: 2016-05-10. Review status: criteria provided, single submitter. Criteria: EGL Classification Definitions 2015. Collection method: clinical testing. Allele origin: germline. Observed: 2 variant alleles, 2 heterozygotes.

NM_147196.3(TMIE):c.206C>T (p.Ser69Phe)

Gene: TMIE (transmembrane inner ear; plus strand). Cytogenetic location: 3p21.31.
Variant type: single nucleotide variant.
Coding change: c.206C>T on transcript NM_147196.3 (MANE Select); coding-DNA position 206, C replaced by T.
Protein change: p.Ser69Phe; replaces serine 69 with phenylalanine.
Molecular consequence: missense variant.
Genome position (GRCh38, 1-based): chr3:46,705,902, C>T. VCF-style: chr3-46705902-C-T. GRCh37 (hg19) VCF-style: chr3-46747392-C-T.
Other names: c.47C>T, p.Ser16Phe (NM_001370524.1, NM_001370525.1); short protein forms S69F, S16F.
Identifiers: ClinVar variation 287642 (VCV000287642.14), dbSNP rs188085072, ClinGen allele CA2357952.